The following is an entry in ClinVar:

NM_002458.3(MUC5B):c.14586T>C (p.Gly4862=)

Gene: MUC5B (mucin 5B, oligomeric mucus/gel-forming; plus strand). Cytogenetic location: 11p15.5.
Variant type: single nucleotide variant.
Coding change: c.14586T>C on transcript NM_002458.3 (MANE Select); coding-DNA position 14586, T replaced by C.
Protein change: p.Gly4862=; no amino-acid change (glycine 4862 retained).
Molecular consequence: synonymous variant.
Genome position (GRCh38, 1-based): chr11:1,251,466, T>C. VCF-style: chr11-1251466-T-C. GRCh37 (hg19) VCF-style: chr11-1272696-T-C.
Identifiers: ClinVar variation 403197 (VCV000403197.26), dbSNP rs182667095, ClinGen allele CA5808735.

ClinVar aggregate classification (germline): Likely benign. Review status: criteria provided, multiple submitters, no conflicts (2 of 4 stars). 3 submissions from 3 submitters: Likely benign (3). Last evaluated 2025-12-01.

Allele frequency attached by ClinVar (database versions not stated): ESP Exome Variant Server 0.00854; 1000 Genomes Project 0.01478.
gnomAD v4.1: 287 of 1,603,302 alleles (0.018%); highest among the groups gnomAD compares: African/African-American, 0.026%; no homozygotes.

Submissions (3):

CeGaT Center for Human Genetics Tuebingen
Classification: Likely benign. Last evaluated: 2025-12-01. Review status: criteria provided, single submitter. Criteria: CeGaT Center For Human Genetics Tuebingen Variant Classification Criteria Version 2. Collection method: clinical testing. Allele origin: germline. Affected: yes. Observed: 3 variant alleles.
Comment: MUC5B: BP4, BP7

Laboratory for Molecular Medicine, Mass General Brigham Personalized Medicine
Classification: Likely benign. Last evaluated: 2016-03-28. Review status: criteria provided, single submitter. Criteria: LMM Criteria. Collection method: clinical testing. Allele origin: germline.
Comment: Variant identified in a genome or exome case(s) and assessed due to predicted null impact of the variant or pathogenic assertions in the literature or databases. Disclaimer: This variant has not undergone full assessment. The following are preliminary notes: Frequency

Breakthrough Genomics
Classification: Likely benign. Review status: criteria provided, single submitter. Criteria: ACMG Guidelines, 2015. Collection method: not provided. Allele origin: germline. Inheritance: Autosomal dominant inheritance. Affected: yes.